The following is an entry in ClinVar:

NM_016169.4(SUFU):c.1211T>A (p.Met404Lys)

Gene: SUFU (SUFU negative regulator of hedgehog signaling; plus strand). Cytogenetic location: 10q24.32.
Variant type: single nucleotide variant.
Coding change: c.1211T>A on transcript NM_016169.4 (MANE Select); coding-DNA position 1211, T replaced by A.
Protein change: p.Met404Lys; replaces methionine 404 with lysine.
Molecular consequence: missense variant.
Genome position (GRCh38, 1-based): chr10:102,617,343, T>A. VCF-style: chr10-102617343-T-A. GRCh37 (hg19) VCF-style: chr10-104377100-T-A.
Other names: c.1211T>A, p.Met404Lys (NM_001178133.2); short protein forms M404K.
Identifiers: ClinVar variation 1036753 (VCV001036753.9), dbSNP rs2063697367, ClinGen allele CA377915488.

ClinVar aggregate classification (germline): Uncertain significance (1 of 4 stars; one submission).

Conditions:
Gorlin syndrome. Also called: Basal cell nevus syndrome; Nevoid Basal Cell Carcinoma Syndrome. Identifiers: Orphanet 377, MedGen C0004779, MONDO:0007187.
Medulloblastoma (MDB). Also called: Medulloblastoma, somatic; MEDULLOBLASTOMA PREDISPOSITION SYNDROME. Identifiers: Orphanet 616, MedGen C0025149, MeSH D008527, MONDO:0007959, OMIM 155255, HP:0002885.

Submission:

Labcorp Genetics (formerly Invitae), Labcorp
Classification: Uncertain significance for Gorlin syndrome; Medulloblastoma. Last evaluated: 2020-07-22. Review status: criteria provided, single submitter. Criteria: Invitae Variant Classification Sherloc (09022015). Collection method: clinical testing. Allele origin: germline.
Comment: Algorithms developed to predict the effect of missense changes on protein structure and function (SIFT, PolyPhen-2, Align-GVGD) all suggest that this variant is likely to be tolerated, but these predictions have not been confirmed by published functional studies and their clinical significance is uncertain. This variant has not been reported in the literature in individuals with SUFU-related conditions. This variant is not present in population databases (ExAC no frequency). This sequence change replaces methionine with lysine at codon 404 of the SUFU protein (p.Met404Lys). The methionine residue is weakly conserved and there is a moderate physicochemical difference between methionine and lysine. In summary, the available evidence is currently insufficient to determine the role of this variant in disease. Therefore, it has been classified as a Variant of Uncertain Significance.